The following is an entry in ClinVar:

NM_006440.5(TXNRD2):c.1534C>T (p.Arg512Cys)

Gene: TXNRD2 (thioredoxin reductase 2; minus strand). Cytogenetic location: 22q11.21.
Variant type: single nucleotide variant.
Coding change: c.1534C>T on transcript NM_006440.5 (MANE Select); coding-DNA position 1534, C replaced by T.
Protein change: p.Arg512Cys; replaces arginine 512 with cysteine.
Molecular consequence: missense variant. On other transcripts: non-coding transcript variant (1).
Genome position (GRCh38, 1-based): chr22:19,877,146, G>A on the plus strand (C>T on the coding strand, the complement: TXNRD2 is on the minus strand). VCF-style: chr22-19877146-G-A. GRCh37 (hg19) VCF-style: chr22-19864669-G-A.
Other names: c.1531C>T, p.Arg511Cys (NM_001352300.2); c.1444C>T, p.Arg482Cys (NM_001352301.2); c.1246C>T, p.Arg416Cys (NM_001352302.2); short protein forms R416C, R482C, R512C, R511C.
Identifiers: ClinVar variation 852325 (VCV000852325.12), dbSNP rs201943415, ClinGen allele CA10103601.

ClinVar aggregate classification (germline): Uncertain significance. Review status: criteria provided, multiple submitters, no conflicts (2 of 4 stars). 3 submissions from 3 submitters: Uncertain significance (3). Last evaluated 2025-12-03.

Conditions:
Primary dilated cardiomyopathy (DCM). Also called: Dilated Cardiomyopathy. Identifiers: Orphanet 217604, MedGen C0007193, MeSH D002311, MONDO:0005021, HP:0001644. Inheritance: Various modes of inheritance.
Cardiovascular phenotype. Identifiers: MedGen CN230736.

Allele frequency attached by ClinVar (database versions not stated): gnomAD 0.00002 and 0.00003; gnomAD exomes 0.00004 and 0.00005; TOPMed 0.00004; ESP Exome Variant Server 0.00008; ExAC 0.00010; 1000 Genomes Project 30x 0.00016; 1000 Genomes Project 0.00020.

Submissions (3):

Labcorp Genetics (formerly Invitae), Labcorp
Classification: Uncertain significance for Primary dilated cardiomyopathy. Last evaluated: 2025-12-03. Review status: criteria provided, single submitter. Criteria: Invitae Variant Classification Sherloc (09022015). Collection method: clinical testing. Allele origin: germline.
Comment: This sequence change replaces arginine, which is basic and polar, with cysteine, which is neutral and slightly polar, at codon 512 of the TXNRD2 protein (p.Arg512Cys). This variant is present in population databases (rs201943415, gnomAD 0.02%). This variant has not been reported in the literature in individuals affected with TXNRD2-related conditions. ClinVar contains an entry for this variant (Variation ID: 852325). An algorithm developed to predict the effect of missense changes on protein structure and function (PolyPhen-2) suggests that this variant is likely to be disruptive. In summary, the available evidence is currently insufficient to determine the role of this variant in disease. Therefore, it has been classified as a Variant of Uncertain Significance.

Ambry Genetics
Classification: Uncertain significance for Cardiovascular phenotype. Last evaluated: 2025-03-03. Review status: criteria provided, single submitter. Criteria: Ambry Variant Classification Scheme 2023. Collection method: clinical testing. Allele origin: germline.
Comment: The p.R512C variant (also known as c.1534C>T), located in coding exon 17 of the TXNRD2 gene, results from a C to T substitution at nucleotide position 1534. The arginine at codon 512 is replaced by cysteine, an amino acid with highly dissimilar properties. This amino acid position is highly conserved in available vertebrate species. In addition, this alteration is predicted to be deleterious by in silico analysis. The evidence for this gene-disease relationship is limited; therefore, the clinical significance of this alteration is unclear.

GeneDx
Classification: Uncertain significance. Last evaluated: 2019-04-26. Review status: criteria provided, single submitter. Criteria: GeneDx Variant Classification Process June 2021. Collection method: clinical testing. Allele origin: germline. Affected: yes.
Comment: Has not been previously published as pathogenic or benign to our knowledge; In silico analysis, which includes protein predictors and evolutionary conservation, supports a deleterious effect